The following is an entry in ClinVar:

ClinVar aggregate classification (germline): Uncertain significance (1 of 4 stars; one submission).

Conditions:
Tuberous sclerosis 2 (TSC2). Identifiers: Orphanet 805, MedGen C1860707, MONDO:0013199, OMIM 613254.

Submission:

Labcorp Genetics (formerly Invitae), Labcorp
Classification: Uncertain significance for Tuberous sclerosis 2. Last evaluated: 2026-01-13. Review status: criteria provided, single submitter. Criteria: Invitae Variant Classification Sherloc (09022015). Collection method: clinical testing. Allele origin: germline.
Comment: This sequence change replaces aspartic acid, which is acidic and polar, with glycine, which is neutral and non-polar, at codon 359 of the TSC2 protein (p.Asp359Gly). This variant is not present in population databases (gnomAD no frequency). This variant has not been reported in the literature in individuals affected with TSC2-related conditions. Invitae Evidence Modeling of protein sequence and biophysical properties (such as structural, functional, and spatial information, amino acid conservation, physicochemical variation, residue mobility, and thermodynamic stability) indicates that this missense variant is not expected to disrupt TSC2 protein function with a negative predictive value of 95%. In summary, the available evidence is currently insufficient to determine the role of this variant in disease. Therefore, it has been classified as a Variant of Uncertain Significance.

NM_000548.5(TSC2):c.1076A>G (p.Asp359Gly)

Gene: TSC2 (TSC complex subunit 2; plus strand). Cytogenetic location: 16p13.3.
Variant type: single nucleotide variant.
Coding change: c.1076A>G on transcript NM_000548.5 (MANE Select); coding-DNA position 1076, A replaced by G.
Protein change: p.Asp359Gly; replaces aspartic acid 359 with glycine.
Molecular consequence: missense variant. On other transcripts: 5 prime UTR variant (10), non-coding transcript variant (5).
Genome position (GRCh38, 1-based): chr16:2,060,770, A>G. VCF-style: chr16-2060770-A-G. GRCh37 (hg19) VCF-style: chr16-2110771-A-G.
Other names: c.1076A>G, p.Asp359Gly (NM_001370405.1, NM_001406663.1, NM_001406664.1 and 6 more transcripts); c.1166A>G, p.Asp389Gly (NM_001406667.1, NM_001406668.1); c.965A>G, p.Asp322Gly (NM_001406670.1, NM_001406678.1, NM_001318827.2); c.1064A>G, p.Asp355Gly (NM_001406671.1, NM_001406673.1); c.476A>G, p.Asp159Gly (NM_001406685.1, NM_001406686.1, NM_001406687.1 and 6 more transcripts); c.-356A>G (NM_001406689.1, NM_001406690.1, NM_001406691.1 and 4 more transcripts); c.-237A>G (NM_001406694.1, NM_001406695.1); c.-532A>G (NM_001406698.1); and 4 more; short protein forms D159G, D205G, D310G, D322G, D340G, D355G, D359G, D370G.
Identifiers: ClinVar variation 4802843 (VCV004802843.1).